The following is an entry in ClinVar:

ClinVar aggregate classification (germline): Uncertain significance. Review status: criteria provided, multiple submitters, no conflicts (2 of 4 stars). 3 submissions from 3 submitters: Uncertain significance (3). Last evaluated 2026-05-05.

Conditions:
Desmin-related myofibrillar myopathy (MFM1). Also called: Myofibrillar myopathy 1; Desminopathy; MYOFIBRILLAR MYOPATHY WITH ARRHYTHMOGENIC RIGHT VENTRICULAR CARDIOMYOPATHY; DESMIN-RELATED MYOPATHY WITH ARRHYTHMOGENIC RIGHT VENTRICULAR CARDIOMYOPATHY; Desmin related myopathy (former name); Desmin storage myopathy (former name). Identifiers: Orphanet 363543, Orphanet 98909, MedGen C1832370, MONDO:0011076, OMIM 601419.
Cardiovascular phenotype. Identifiers: MedGen CN230736.

Allele frequency attached by ClinVar (database versions not stated): gnomAD 0.00002; gnomAD exomes below 0.00001; TOPMed 0.00002.
gnomAD v4.1: 4 of 1,595,018 alleles (0.00025%); highest among the groups gnomAD compares: Admixed American, 0.0052%; no homozygotes.

Submissions (3):

Ambry Genetics
Classification: Uncertain significance for Cardiovascular phenotype. Last evaluated: 2026-05-05. Review status: criteria provided, single submitter. Criteria: Ambry Variant Classification Scheme 2023. Collection method: clinical testing. Allele origin: germline.
Comment: The p.A63D variant (also known as c.188C>A), located in coding exon 1 of the DES gene, results from a C to A substitution at nucleotide position 188. The alanine at codon 63 is replaced by aspartic acid, an amino acid with dissimilar properties. This amino acid position is not well conserved in available vertebrate species. In addition, the in silico prediction for this alteration is inconclusive. Based on the available evidence, the clinical significance of this variant remains unclear.

Labcorp Genetics (formerly Invitae), Labcorp
Classification: Uncertain significance for Desmin-related myofibrillar myopathy. Last evaluated: 2024-08-20. Review status: criteria provided, single submitter. Criteria: Invitae Variant Classification Sherloc (09022015). Collection method: clinical testing. Allele origin: germline.
Comment: This sequence change replaces alanine, which is neutral and non-polar, with aspartic acid, which is acidic and polar, at codon 63 of the DES protein (p.Ala63Asp). This variant is not present in population databases (gnomAD no frequency). This variant has not been reported in the literature in individuals affected with DES-related conditions. ClinVar contains an entry for this variant (Variation ID: 848943). Invitae Evidence Modeling of protein sequence and biophysical properties (such as structural, functional, and spatial information, amino acid conservation, physicochemical variation, residue mobility, and thermodynamic stability) has been performed for this missense variant. However, the output from this modeling did not meet the statistical confidence thresholds required to predict the impact of this variant on DES protein function. In summary, the available evidence is currently insufficient to determine the role of this variant in disease. Therefore, it has been classified as a Variant of Uncertain Significance.

GeneDx
Classification: Uncertain significance. Last evaluated: 2024-05-13. Review status: criteria provided, single submitter. Criteria: GeneDx Variant Classification Process June 2021. Collection method: clinical testing. Allele origin: germline. Affected: yes.
Comment: Has not been previously published as pathogenic or benign to our knowledge; Not observed at significant frequency in large population cohorts (gnomAD); In silico analysis indicates that this missense variant does not alter protein structure/function

NM_001927.4(DES):c.188C>A (p.Ala63Asp)

Gene: DES (desmin; plus strand). Cytogenetic location: 2q35.
Variant type: single nucleotide variant.
Coding change: c.188C>A on transcript NM_001927.4 (MANE Select); coding-DNA position 188, C replaced by A.
Protein change: p.Ala63Asp; replaces alanine 63 with aspartic acid.
Molecular consequence: missense variant.
Genome position (GRCh38, 1-based): chr2:219,418,650, C>A. VCF-style: chr2-219418650-C-A. GRCh37 (hg19) VCF-style: chr2-220283372-C-A.
Other names: short protein forms A63D.
Identifiers: ClinVar variation 848943 (VCV000848943.10), dbSNP rs1345937895, ClinGen allele CA350683744.